The following is an entry in ClinVar:

NM_001376571.1(MADD):c.979C>T (p.Arg327Ter)

Gene: MADD (MAP kinase activating death domain; plus strand). Cytogenetic location: 11p11.2.
Variant type: single nucleotide variant.
Coding change: c.979C>T on transcript NM_001376571.1 (MANE Select); coding-DNA position 979, C replaced by T.
Protein change: p.Arg327Ter; replaces arginine 327 with a stop codon.
Molecular consequence: nonsense. On other transcripts: non-coding transcript variant (8).
Genome position (GRCh38, 1-based): chr11:47,276,747, C>T. VCF-style: chr11-47276747-C-T. GRCh37 (hg19) VCF-style: chr11-47298298-C-T.
Other names: c.979C>T, p.Arg327Ter (NM_001376594.1, NM_001376595.1, NM_001376596.1 and 80 more transcripts); c.775C>T, p.Arg259Ter (NM_001376635.1, NM_001376644.1, NM_001376646.1 and 9 more transcripts); c.313C>T, p.Arg105Ter (NM_001376663.1); short protein forms R327*, R105*, R259*.
Identifiers: ClinVar variation 418287 (VCV000418287.52), dbSNP rs147179561, ClinGen allele CA5974006.

ClinVar aggregate classification (germline): Pathogenic/Likely pathogenic. Review status: criteria provided, multiple submitters, no conflicts (2 of 4 stars). 5 submissions from 5 submitters: Pathogenic (3); Likely pathogenic (1). 1 of the submissions does not count toward it. Last evaluated 2025-12-19.

Conditions:
Neurodevelopmental disorder with dysmorphic facies, impaired speech, and hypotonia. Identifiers: MedGen C5436585, MONDO:0033562, OMIM 619005.
MADD-related disorder. Also called: MADD-Related Disorders; MADD-related condition.

Allele frequency attached by ClinVar (database versions not stated): gnomAD exomes 0.00002; ExAC 0.00003; gnomAD 0.00004; TOPMed 0.00007; ESP Exome Variant Server 0.00008.
gnomAD v4.1: 47 of 1,613,974 alleles (0.0029%); highest among the groups gnomAD compares: Non-Finnish European, 0.0038%; no homozygotes.

Submissions (5):

PreventionGenetics, part of Exact Sciences
Classification: Pathogenic for MADD-related condition. Last evaluated: 2025-12-19. Review status: criteria provided, single submitter. Criteria: ACMG Guidelines, 2015. Collection method: clinical testing. Allele origin: germline.
Comment: The MADD c.979C>T variant is predicted to result in premature protein termination (p.Arg327*). This variant has been reported in the homozygous and compound heterozygous states in multiple patients with MADD-related disorders (Anazi et al. 2017. PubMed ID: 28940097; Schneeberger et al. 2020. PubMed ID: 32761064). This variant is reported in 0.0044% of alleles in individuals of European (Non-Finnish) descent in gnomAD. Nonsense variants in MADD are expected to be pathogenic. This variant is interpreted as pathogenic.

GeneDx
Classification: Pathogenic. Last evaluated: 2024-09-04. Review status: criteria provided, single submitter. Criteria: GeneDx Variant Classification Process June 2021. Collection method: clinical testing. Allele origin: germline. Affected: yes.
Comment: Reported with another MADD variant in a patient with expressive language delay and autism (PMID: 28940097); Nonsense variant predicted to result in protein truncation or nonsense mediated decay in a gene for which loss of function is a known mechanism of disease; This variant is associated with the following publications: (PMID: 29288388, 32761064, 37644014, 31345219, 28940097)

CeGaT Center for Human Genetics Tuebingen
Classification: Likely pathogenic. Last evaluated: 2024-03-01. Review status: criteria provided, single submitter. Criteria: CeGaT Center For Human Genetics Tuebingen Variant Classification Criteria Version 2. Collection method: clinical testing. Allele origin: germline. Affected: yes. Observed: 3 variant alleles.
Comment: MADD: PM3:Strong, PM2, PVS1:Moderate

Rady Children's Institute for Genomic Medicine, Rady Children's Hospital San Diego
Classification: Pathogenic for MADD-related disorders. Last evaluated: 2023-12-09. Review status: criteria provided, single submitter. Criteria: ACMG Guidelines, 2015. Collection method: clinical testing. Allele origin: germline. Affected: yes.
Comment: This nonsense variant found in exon 5 of 36 is predicted to result in loss of normal protein function through either protein truncation or nonsense-mediated mRNA decay. This variant has been previously reported as a homozygous change, compound heterozygous change or together with another alteration in individuals with MADD-related disorders (PMID: 32761064, 28940097). The c.979C>T (p.Arg327Ter) variant is present in the heterozygous state in the gnomAD population database at a frequency of 0.002% (5/251356) and thus is presumed to be rare. Based on the available evidence, c.979C>T (p.Arg327Ter) is classified as Pathogenic.

OMIM
Classification: Pathogenic for NEURODEVELOPMENTAL DISORDER WITH DYSMORPHIC FACIES, IMPAIRED SPEECH, AND HYPOTONIA. Last evaluated: 2022-02-08. Review status: no assertion criteria provided. Collection method: literature only. Allele origin: germline. Not counted in ClinVar's aggregate classification.

Literature cited by the submitters: Anazi, S., Maddirevula, S., Salpietro, V., Asi, Y. T., Alsahli, S., Alhashem, A., Shamseldin, H. E., AlZahrani, F., Patel, N., Ibrahim, N., Abdulwahab, F. M., Hashem, M., and 31 others Expanding the genetic heterogeneity of intellectual disability. Hum. Genet. 136: 1419-1429, 2017. Note: Erratum: Hum. Genet. 137: 105-109, 2018. (cited by OMIM).